The following is an entry in ClinVar:

ClinVar aggregate classification (germline): Likely pathogenic (1 of 4 stars; one submission).

gnomAD v4.1: 1 of 1,613,272 alleles (0.000062%); highest among the groups gnomAD compares: Non-Finnish European, 0.000085%; no homozygotes.

Submission:

Labcorp Genetics (formerly Invitae), Labcorp
Classification: Likely pathogenic. Last evaluated: 2025-09-15. Review status: criteria provided, single submitter. Criteria: Invitae Variant Classification Sherloc (09022015). Collection method: clinical testing. Allele origin: germline.
Comment: This sequence change affects an acceptor splice site in intron 3 of the C6 gene. It is expected to disrupt RNA splicing. Variants that disrupt the donor or acceptor splice site typically lead to a loss of protein function (PMID: 16199547), and loss-of-function variants in C6 are known to be pathogenic (PMID: 17257682). This variant is not present in population databases (gnomAD no frequency). Disruption of this splice site has been observed in individual(s) with C6-related conditions (PMID: 31440263). Algorithms developed to predict the effect of sequence changes on RNA splicing suggest that this variant may disrupt the consensus splice site. In summary, the currently available evidence indicates that the variant is pathogenic, but additional data are needed to prove that conclusively. Therefore, this variant has been classified as Likely Pathogenic.

Literature cited by the submitters: PubMed 16199547; PubMed 17257682; PubMed 31440263.

NM_000065.5(C6):c.301-1G>A

Gene: C6 (complement C6; minus strand). Cytogenetic location: 5p13.1.
Variant type: single nucleotide variant.
Coding change: c.301-1G>A on transcript NM_000065.5 (MANE Select); the canonical splice acceptor site of the intron before coding-DNA position 301, G replaced by A.
Molecular consequence: splice acceptor variant.
Genome position (GRCh38, 1-based): chr5:41,199,913, C>T on the plus strand (G>A on the coding strand, the complement: C6 is on the minus strand). VCF-style: chr5-41199913-C-T. GRCh37 (hg19) VCF-style: chr5-41200015-C-T.
Other names: c.301-1G>A (NM_001115131.4).
Identifiers: ClinVar variation 4694675 (VCV004694675.1).